The following is an entry in ClinVar:

ClinVar aggregate classification (germline): Pathogenic. Review status: no assertion criteria provided (0 of 4 stars). 2 submissions from 2 submitters: Pathogenic (2). Last evaluated 1997-03-17.

Conditions:
Ornithine carbamoyltransferase deficiency (OTCD). Also called: ORNITHINE TRANSCARBAMYLASE DEFICIENCY, HYPERAMMONEMIA DUE TO; OTC DEFICIENCY; ORNITHINE TRANSCARBAMYLASE DEFICIENCY; Ornithine Carbamoyltransferase Deficiency Disease. Identifiers: Orphanet 664, MedGen C0268542, MONDO:0010703, OMIM 311250.

Submissions (2):

OMIM
Classification: Pathogenic for ORNITHINE TRANSCARBAMYLASE DEFICIENCY. Last evaluated: 1997-03-17. Review status: no assertion criteria provided. Collection method: literature only. Allele origin: unknown.

GenMed Metabolism Lab
Classification: Pathogenic. Review status: no assertion criteria provided. Collection method: not provided. Allele origin: unknown.
ClinVar note: Converted during submission from pathogenic to Pathogenic.

Literature cited by the submitters: PubMed 9056557 (cited by OMIM).

NM_000531.6(OTC):c.444G>C (p.Leu148Phe)

Gene: OTC (ornithine transcarbamylase; plus strand). Cytogenetic location: Xp11.4.
Variant type: single nucleotide variant.
Coding change: c.444G>C on transcript NM_000531.6 (MANE Select); coding-DNA position 444, G replaced by C.
Protein change: p.Leu148Phe; replaces leucine 148 with phenylalanine.
Molecular consequence: missense variant.
Genome position (GRCh38, 1-based): chrX:38,401,332, G>C. VCF-style: chrX-38401332-G-C. GRCh37 (hg19) VCF-style: chrX-38260585-G-C.
Other names: short protein forms L148F.
Identifiers: ClinVar variation 11011 (VCV000011011.2), dbSNP rs66741318, ClinGen allele CA224612.
Genomic context (GRCh38, chrX:38,401,332, plus strand): 5'-CAGTGTATTGTCTAGCATGGCAGATGCAGTATTGGCTCGAGTGTATAAACAATCAGATTT[G>C]GACACCCTGGCTAAAGAAGCATCCATCCCAATTATCAATGGGCTGTCAGATTTGTACCAT-3'
Protein context (NP_000522.3, residues 138-158): VLARVYKQSD[Leu148Phe]DTLAKEASIP